The following is an entry in ClinVar:

ClinVar aggregate classification (germline): Uncertain significance. Review status: criteria provided, multiple submitters, no conflicts (2 of 4 stars). 2 submissions from 2 submitters: Uncertain significance (2). Last evaluated 2025-01-02.

Allele frequency attached by ClinVar (database versions not stated): gnomAD exomes 0.00002; ExAC 0.00003; gnomAD 0.00005; TOPMed 0.00008.
gnomAD v4.1: 46 of 1,613,434 alleles (0.0029%); highest among the groups gnomAD compares: Middle Eastern, 0.066%; 1 homozygote.

Submissions (2):

Ambry Genetics
Classification: Uncertain significance. Last evaluated: 2025-01-02. Review status: criteria provided, single submitter. Criteria: Ambry Variant Classification Scheme 2023. Collection method: clinical testing. Allele origin: germline.

Labcorp Genetics (formerly Invitae), Labcorp
Classification: Uncertain significance. Last evaluated: 2022-03-12. Review status: criteria provided, single submitter. Criteria: Invitae Variant Classification Sherloc (09022015). Collection method: clinical testing. Allele origin: germline.
Comment: In summary, the available evidence is currently insufficient to determine the role of this variant in disease. Therefore, it has been classified as a Variant of Uncertain Significance. Algorithms developed to predict the effect of missense changes on protein structure and function (SIFT, PolyPhen-2, Align-GVGD) all suggest that this variant is likely to be tolerated. This variant has not been reported in the literature in individuals affected with SIPA1L3-related conditions. This variant is present in population databases (rs768926864, gnomAD 0.02%). This sequence change replaces glutamic acid, which is acidic and polar, with lysine, which is basic and polar, at codon 437 of the SIPA1L3 protein (p.Glu437Lys).

NM_015073.3(SIPA1L3):c.1309G>A (p.Glu437Lys)

Gene: SIPA1L3 (signal induced proliferation associated 1 like 3; plus strand). Cytogenetic location: 19q13.13.
Variant type: single nucleotide variant.
Coding change: c.1309G>A on transcript NM_015073.3 (MANE Select); coding-DNA position 1309, G replaced by A.
Protein change: p.Glu437Lys; replaces glutamic acid 437 with lysine.
Molecular consequence: missense variant.
Genome position (GRCh38, 1-based): chr19:38,082,874, G>A. VCF-style: chr19-38082874-G-A. GRCh37 (hg19) VCF-style: chr19-38573514-G-A.
Other names: c.1309G>A (NM_015073.1); short protein forms E437K.
Identifiers: ClinVar variation 2168824 (VCV002168824.5), dbSNP rs768926864, ClinGen allele CA9409339.
Genomic context (GRCh38, chr19:38,082,874, plus strand): 5'-GATGACAACAGCAACGACCTGCTGCTCAGCTGCCCGCACTTCCGCAATGAGATCGGGGGC[G>A]AGTGTGAGCGCAACGTGAGCTTCTCCCGGGCTTCCGTGGGCTCCCCGAGCAGCGGCGAGG-3'
Protein context (NP_055888.1, residues 427-447): CPHFRNEIGG[Glu437Lys]CERNVSFSRA